The following is an entry in ClinVar:

ClinVar aggregate classification (germline): Benign (1 of 4 stars; one submission).

Conditions:
Glycogen storage disease, type II (IOPD). Also called: Pompe Disease; CARDIOMEGALIA GLYCOGENICA DIFFUSA; GLYCOGENOSIS, GENERALIZED, CARDIAC FORM; GSD II; POMPE DISEASE, INFANTILE-ONSET; GLYCOGEN STORAGE DISEASE II, INFANTILE-ONSET. Identifiers: Orphanet 365, MedGen C0017921, MONDO:0009290, OMIM 232300.

gnomAD v4.1: 12,820 of 152,270 alleles (8.4%); highest among the groups gnomAD compares: East Asian, 25%; 748 homozygotes.

Submission:

Genomenon, Inc
Classification: Benign for Glycogen storage disease, type II. Last evaluated: 2026-07-01. Review status: criteria provided, single submitter. Criteria: Genomenon Sequence Variant Interpretation Standards - Updated. Collection method: curation. Allele origin: germline. Affected: no.
Comment: GAA c.-33+1190G>T is an intronic variant located in the 5′ untranslated region (5′ UTR). This variant is present at high allele frequency in population databases. We classify GAA c.-33+1190G>T as a benign variant.

NM_000152.5(GAA):c.-33+1190G>T

Gene: GAA (alpha glucosidase; plus strand). Cytogenetic location: 17q25.3.
Variant type: single nucleotide variant.
Coding change: c.-33+1190G>T on transcript NM_000152.5 (MANE Select); 1190 bases into the intron after 33 bases upstream of the start codon, G replaced by T.
Molecular consequence: intron variant.
Genome position (GRCh38, 1-based): chr17:80,103,080, G>T. VCF-style: chr17-80103080-G-T. GRCh37 (hg19) VCF-style: chr17-78076879-G-T.
Other names: c.-33+1190G>T (NM_001406741.1, NM_001079803.3); c.-33+1155G>T (NM_001406742.1); c.-33+1455G>T (NM_001079804.3).
Identifiers: ClinVar variation 4876432 (VCV004876432.1).